The following is an entry in ClinVar:

ClinVar aggregate classification (germline): Uncertain significance (1 of 4 stars; one submission).

Conditions:
Rhabdoid tumor predisposition syndrome 2 (RTPS2). Identifiers: Orphanet 231108, Orphanet 69077, MedGen C2750074, MONDO:0013224, OMIM 613325.

Submission:

Labcorp Genetics (formerly Invitae), Labcorp
Classification: Uncertain significance for Rhabdoid tumor predisposition syndrome 2. Last evaluated: 2022-01-06. Review status: criteria provided, single submitter. Criteria: Invitae Variant Classification Sherloc (09022015). Collection method: clinical testing. Allele origin: germline.
Comment: Algorithms developed to predict the effect of missense changes on protein structure and function are either unavailable or do not agree on the potential impact of this missense change (SIFT: "Deleterious"; PolyPhen-2: "Benign"; Align-GVGD: "Class C15"). In summary, the available evidence is currently insufficient to determine the role of this variant in disease. Therefore, it has been classified as a Variant of Uncertain Significance. This variant has not been reported in the literature in individuals affected with SMARCA4-related conditions. This variant is not present in population databases (gnomAD no frequency). This sequence change replaces asparagine, which is neutral and polar, with lysine, which is basic and polar, at codon 1555 of the SMARCA4 protein (p.Asn1555Lys).

NM_003072.5(SMARCA4):c.4569C>G (p.Asn1523Lys)

Gene: SMARCA4 (SWI/SNF related BAF chromatin remodeling complex subunit ATPase 4; plus strand). Cytogenetic location: 19p13.2.
Variant type: single nucleotide variant.
Coding change: c.4569C>G on transcript NM_003072.5 (MANE Select); coding-DNA position 4569, C replaced by G.
Protein change: p.Asn1523Lys; replaces asparagine 1523 with lysine.
Molecular consequence: missense variant. On other transcripts: non-coding transcript variant (1).
Genome position (GRCh38, 1-based): chr19:11,058,823, C>G. VCF-style: chr19-11058823-C-G. GRCh37 (hg19) VCF-style: chr19-11169499-C-G.
Other names: c.4569C>G, p.Asn1523Lys (NM_001128844.3); c.4479C>G, p.Asn1493Lys (NM_001128845.2); c.4476C>G, p.Asn1492Lys (NM_001128846.2); c.4470C>G, p.Asn1490Lys (NM_001128847.4, NM_001374457.1); c.4467C>G, p.Asn1489Lys (NM_001128848.2); c.4665C>G, p.Asn1555Lys (NM_001128849.3, NM_001387283.1); c.4566C>G, p.Asn1522Lys (NM_001411150.1); short protein forms N1492K, N1493K, N1522K, N1489K, N1490K, N1523K, N1555K.
Identifiers: ClinVar variation 2076659 (VCV002076659.4), dbSNP rs34389675, ClinGen allele CA404078826.